The following is an entry in ClinVar:

NM_001257096.2(PAX1):c.631G>A (p.Val211Met)

Gene: PAX1 (paired box 1; plus strand). Cytogenetic location: 20p11.22.
Variant type: single nucleotide variant.
Coding change: c.631G>A on transcript NM_001257096.2 (MANE Select); coding-DNA position 631, G replaced by A.
Protein change: p.Val211Met; replaces valine 211 with methionine.
Molecular consequence: missense variant.
Genome position (GRCh38, 1-based): chr20:21,706,782, G>A. VCF-style: chr20-21706782-G-A. GRCh37 (hg19) VCF-style: chr20-21687420-G-A.
Other names: c.631G>A, p.Val211Met (NM_006192.5); short protein forms V211M.
Identifiers: ClinVar variation 1310507 (VCV001310507.3), dbSNP rs1985019001, ClinGen allele CA408498389.

ClinVar aggregate classification (germline): Uncertain significance (1 of 4 stars; one submission).

Submission:

GeneDx
Classification: Uncertain significance. Last evaluated: 2024-07-15. Review status: criteria provided, single submitter. Criteria: GeneDx Variant Classification Process June 2021. Collection method: clinical testing. Allele origin: germline. Affected: yes.
Comment: Not observed at significant frequency in large population cohorts (gnomAD); In silico analysis supports that this missense variant has a deleterious effect on protein structure/function; Has not been previously published as pathogenic or benign to our knowledge